The following is an entry in ClinVar:

ClinVar aggregate classification (germline): Likely pathogenic. Review status: criteria provided, multiple submitters, no conflicts (2 of 4 stars). 3 submissions from 3 submitters: Likely pathogenic (2). 1 of the submissions does not count toward it. Last evaluated 2024-12-02.

Conditions:
Tuberous sclerosis syndrome (TSC). Also called: Tuberous Sclerosis Complex; Tuberous sclerosis. Identifiers: Orphanet 805, MedGen C0041341, MONDO:0001734.
Tuberous sclerosis 2 (TSC2). Identifiers: Orphanet 805, MedGen C1860707, MONDO:0013199, OMIM 613254.

Submissions (3):

Labcorp Genetics (formerly Invitae), Labcorp
Classification: Likely pathogenic for Tuberous sclerosis 2. Last evaluated: 2024-12-02. Review status: criteria provided, single submitter. Criteria: Invitae Variant Classification Sherloc (09022015). Collection method: clinical testing. Allele origin: germline.
Comment: This sequence change falls in intron 17 of the TSC2 gene. It does not directly change the encoded amino acid sequence of the TSC2 protein. RNA analysis indicates that this variant induces altered splicing and may result in an absent or altered protein product. This variant is not present in population databases (gnomAD no frequency). This variant has been observed in individual(s) with clinical features of tuberous sclerosis complex (PMID: 21520333; internal data). ClinVar contains an entry for this variant (Variation ID: 65210). Variants that disrupt the consensus splice site are a relatively common cause of aberrant splicing (PMID: 17576681, 9536098). Studies have shown that this variant results in activation of cryptic splice sites and retention of intron 17, and produces a non-functional protein and/or introduces a premature termination codon (internal data). In summary, the currently available evidence indicates that the variant is pathogenic, but additional data are needed to prove that conclusively. Therefore, this variant has been classified as Likely Pathogenic.

Hereditary Cancer Clinic, Medical College of Georgia
Classification: Likely pathogenic for Tuberous sclerosis 2. Last evaluated: 2024-09-26. Review status: criteria provided, single submitter. Criteria: ACMG Guidelines, 2015. Collection method: provider interpretation. Allele origin: germline. Inheritance: Autosomal dominant inheritance. Affected: yes. Observed: 1 heterozygote.
Comment: PVS1. Null variant (nonsense, frameshift, canonical +/−1 or 2 splice sites, initiation codon, single or multi-exon deletion) in a gene where loss of function (LOF) is a known mechanism of disease. PS4. The prevalence of the variant in affected individuals is significantly increased compared to the prevalence in controls. PM2. Absent from controls in Exome Sequencing Project, 1000 Genomes or ExAC. PP4. Patient’s phenotype or family history is highly specific for a disease with a single genetic etiology.

Tuberous sclerosis database (TSC2)
No classification provided. Condition: TSC. Review status: no classification provided. Criteria: Tuberous Sclerosis Database Assertion Criteria 2015. Collection method: curation. Allele origin: germline. Affected: yes. Not counted in ClinVar's aggregate classification.

Literature cited by the submitters: PubMed 21520333 (cited by Labcorp Genetics (formerly Invitae), Labcorp); PubMed 17576681 (cited by Labcorp Genetics (formerly Invitae), Labcorp); PubMed 9536098 (cited by Labcorp Genetics (formerly Invitae), Labcorp).

NM_000548.5(TSC2):c.1840-3C>G

Gene: TSC2 (TSC complex subunit 2; plus strand). Cytogenetic location: 16p13.3.
Variant type: single nucleotide variant.
Coding change: c.1840-3C>G on transcript NM_000548.5 (MANE Select); 3 bases into the intron before coding-DNA position 1840, C replaced by G.
Molecular consequence: intron variant.
Genome position (GRCh38, 1-based): chr16:2,071,507, C>G. VCF-style: chr16-2071507-C-G. GRCh37 (hg19) VCF-style: chr16-2121508-C-G.
Other names: c.1840-3C>G (NM_001114382.3, NM_021055.3, NM_001370405.1 and 3 more transcripts); c.1729-3C>G (NM_001318827.2); c.1240-3C>G (NM_001318831.2); c.1693-3C>G (NM_001318829.2); c.1873-3C>G (NM_001318832.2).
Identifiers: ClinVar variation 65210 (VCV000065210.8), dbSNP rs397515154, ClinGen allele CA016005.